The following is an entry in ClinVar:

NM_001851.6(COL9A1):c.1554T>C (p.Asp518=)

Gene: COL9A1 (collagen type IX alpha 1 chain; minus strand). Cytogenetic location: 6q13.
Variant type: single nucleotide variant.
Coding change: c.1554T>C on transcript NM_001851.6 (MANE Select); coding-DNA position 1554, T replaced by C.
Protein change: p.Asp518=; no amino-acid change (aspartic acid 518 retained).
Molecular consequence: synonymous variant. On other transcripts: non-coding transcript variant (1).
Genome position (GRCh38, 1-based): chr6:70,255,340, A>G on the plus strand (T>C on the coding strand, the complement: COL9A1 is on the minus strand). VCF-style: chr6-70255340-A-G. GRCh37 (hg19) VCF-style: chr6-70965043-A-G.
Other names: c.825T>C, p.Asp275= (NM_001377289.1, NM_001377290.1, NM_078485.4); c.1554T>C (NM_001851.4).
Identifiers: ClinVar variation 1093506 (VCV001093506.12), dbSNP rs746982749, ClinGen allele CA3882146.

ClinVar aggregate classification (germline): Likely benign. Review status: criteria provided, multiple submitters, no conflicts (2 of 4 stars). 3 submissions from 3 submitters: Likely benign (2). 1 of the submissions does not count toward it. Last evaluated 2025-01-08.

Conditions:
COL9A1-related disorder. Also called: COL9A1-related condition; COL9A1-related disorders.

Allele frequency attached by ClinVar (database versions not stated): TOPMed 0.00001; gnomAD 0.00011; ExAC 0.00017; gnomAD exomes 0.00021.
gnomAD v4.1: 119 of 1,614,078 alleles (0.0074%); highest among the groups gnomAD compares: Non-Finnish European, 0.0029%; no homozygotes.

Submissions (3):

Labcorp Genetics (formerly Invitae), Labcorp
Classification: Likely benign. Last evaluated: 2025-01-08. Review status: criteria provided, single submitter. Criteria: Invitae Variant Classification Sherloc (09022015). Collection method: clinical testing. Allele origin: germline.

Blueprint Genetics
Classification: Likely benign. Last evaluated: 2024-10-14. Review status: criteria provided, single submitter. Criteria: ACMG Guidelines, 2015. Collection method: clinical testing. Allele origin: germline.

PreventionGenetics, part of Exact Sciences
Classification: Likely benign for COL9A1-related condition. Last evaluated: 2022-02-10. Review status: no assertion criteria provided. Collection method: clinical testing. Allele origin: germline. Not counted in ClinVar's aggregate classification.
Comment: This variant is classified as likely benign based on ACMG/AMP sequence variant interpretation guidelines (Richards et al. 2015 PMID: 25741868, with internal and published modifications).